The following is an entry in ClinVar:

NM_000199.5(SGSH):c.1206C>A (p.Phe402Leu)

Gene: SGSH (N-sulfoglucosamine sulfohydrolase; minus strand). Cytogenetic location: 17q25.3.
Variant type: single nucleotide variant.
Coding change: c.1206C>A on transcript NM_000199.5 (MANE Select); coding-DNA position 1206, C replaced by A.
Protein change: p.Phe402Leu; replaces phenylalanine 402 with leucine.
Molecular consequence: missense variant. On other transcripts: 3 prime UTR variant (2), non-coding transcript variant (1).
Genome position (GRCh38, 1-based): chr17:80,210,755, G>T on the plus strand (C>A on the coding strand, the complement: SGSH is on the minus strand). VCF-style: chr17-80210755-G-T. GRCh37 (hg19) VCF-style: chr17-78184554-G-T.
Other names: c.*293C>A (NM_001352921.3); c.*256C>A (NM_001352922.2); short protein forms F402L.
Identifiers: ClinVar variation 3634762 (VCV003634762.2).

ClinVar aggregate classification (germline): Uncertain significance (1 of 4 stars; one submission).

Conditions:
Mucopolysaccharidosis, MPS-III-A (MPS3A). Also called: Mucopolysaccharidosis type IIIA (Sanfilippo A); HEPARAN SULFATE SULFATASE DEFICIENCY; SANFILIPPO SYNDROME A; SULFAMIDASE DEFICIENCY; MPS III A; Mucopolysaccharidosis, type IIIA. Identifiers: Orphanet 581, Orphanet 79269, MedGen C0086647, MONDO:0009655, OMIM 252900.

gnomAD v4.1: 1 of 1,614,104 alleles (0.000062%); highest among the groups gnomAD compares: East Asian, 0.0022%; no homozygotes.

Submission:

Labcorp Genetics (formerly Invitae), Labcorp
Classification: Uncertain significance for Mucopolysaccharidosis, MPS-III-A. Last evaluated: 2024-12-09. Review status: criteria provided, single submitter. Criteria: Invitae Variant Classification Sherloc (09022015). Collection method: clinical testing. Allele origin: germline.
Comment: This sequence change replaces phenylalanine, which is neutral and non-polar, with leucine, which is neutral and non-polar, at codon 402 of the SGSH protein (p.Phe402Leu). This variant is not present in population databases (gnomAD no frequency). This variant has not been reported in the literature in individuals affected with SGSH-related conditions. Invitae Evidence Modeling of protein sequence and biophysical properties (such as structural, functional, and spatial information, amino acid conservation, physicochemical variation, residue mobility, and thermodynamic stability) indicates that this missense variant is not expected to disrupt SGSH protein function with a negative predictive value of 80%. In summary, the available evidence is currently insufficient to determine the role of this variant in disease. Therefore, it has been classified as a Variant of Uncertain Significance.